The following is an entry in ClinVar:

ClinVar aggregate classification (germline): Uncertain significance (1 of 4 stars; one submission).

Allele frequency attached by ClinVar (database versions not stated): gnomAD exomes below 0.00001 and 0.00002; gnomAD 0.00001; TOPMed 0.00002.

Submission:

Labcorp Genetics (formerly Invitae), Labcorp
Classification: Uncertain significance. Last evaluated: 2021-07-29. Review status: criteria provided, single submitter. Criteria: Invitae Variant Classification Sherloc (09022015). Collection method: clinical testing. Allele origin: germline.
Comment: This sequence change replaces asparagine with serine at codon 647 of the GNPAT protein (p.Asn647Ser). The asparagine residue is weakly conserved and there is a small physicochemical difference between asparagine and serine. This variant is not present in population databases (ExAC no frequency). This variant has not been reported in the literature in individuals affected with GNPAT-related conditions. Algorithms developed to predict the effect of missense changes on protein structure and function (SIFT, PolyPhen-2, Align-GVGD) all suggest that this variant is likely to be tolerated. Algorithms developed to predict the effect of sequence changes on RNA splicing suggest that this variant may create or strengthen a splice site. In summary, the available evidence is currently insufficient to determine the role of this variant in disease. Therefore, it has been classified as a Variant of Uncertain Significance.

NM_014236.4(GNPAT):c.1940A>G (p.Asn647Ser)

Gene: GNPAT (glyceronephosphate O-acyltransferase; plus strand). Cytogenetic location: 1q42.2.
Variant type: single nucleotide variant.
Coding change: c.1940A>G on transcript NM_014236.4 (MANE Select); coding-DNA position 1940, A replaced by G.
Protein change: p.Asn647Ser; replaces asparagine 647 with serine.
Molecular consequence: missense variant.
Genome position (GRCh38, 1-based): chr1:231,276,137, A>G. VCF-style: chr1-231276137-A-G. GRCh37 (hg19) VCF-style: chr1-231411883-A-G.
Other names: c.1757A>G, p.Asn586Ser (NM_001316350.2); short protein forms N647S, N586S.
Identifiers: ClinVar variation 1366367 (VCV001366367.3), dbSNP rs1244517235, ClinGen allele CA345240425.